The following is an entry in ClinVar:

ClinVar aggregate classification (germline): Uncertain significance (1 of 4 stars; one submission).

Conditions:
Beckwith-Wiedemann syndrome (BWS). Also called: Exomphalos macroglossia gigantism syndrome; EMG SYNDROME. Identifiers: Orphanet 116, MedGen C0004903, MONDO:0007534, OMIM 130650.

Submission:

Labcorp Genetics (formerly Invitae), Labcorp
Classification: Uncertain significance for Beckwith-Wiedemann syndrome. Last evaluated: 2021-12-09. Review status: criteria provided, single submitter. Criteria: Invitae Variant Classification Sherloc (09022015). Collection method: clinical testing. Allele origin: germline.
Comment: Algorithms developed to predict the effect of missense changes on protein structure and function output the following: SIFT: "Tolerated"; PolyPhen-2: "Not Available"; Align-GVGD: "Class C0". The aspartic acid amino acid residue is found in multiple mammalian species, which suggests that this missense change does not adversely affect protein function. This sequence change replaces glycine, which is neutral and non-polar, with aspartic acid, which is acidic and polar, at codon 227 of the CDKN1C protein (p.Gly227Asp). This variant is not present in population databases (gnomAD no frequency). This variant has not been reported in the literature in individuals affected with CDKN1C-related conditions. In summary, the available evidence is currently insufficient to determine the role of this variant in disease. Therefore, it has been classified as a Variant of Uncertain Significance.

NM_001122630.2(CDKN1C):c.647G>A (p.Gly216Asp)

Gene: CDKN1C (cyclin dependent kinase inhibitor 1C; minus strand). Cytogenetic location: 11p15.4.
Variant type: single nucleotide variant.
Coding change: c.647G>A on transcript NM_001122630.2 (MANE Select); coding-DNA position 647, G replaced by A.
Protein change: p.Gly216Asp; replaces glycine 216 with aspartic acid.
Molecular consequence: missense variant. On other transcripts: intron variant (1).
Genome position (GRCh38, 1-based): chr11:2,884,810, C>T on the plus strand (G>A on the coding strand, the complement: CDKN1C is on the minus strand). VCF-style: chr11-2884810-C-T. GRCh37 (hg19) VCF-style: chr11-2906040-C-T.
Other names: c.680G>A, p.Gly227Asp (NM_000076.2, NM_001362474.2); c.647G>A, p.Gly216Asp (NM_001122631.2); c.255+392G>A (NM_001362475.2); short protein forms G216D, G227D.
Identifiers: ClinVar variation 2156022 (VCV002156022.4), dbSNP rs1180635221, ClinGen allele CA379145921.
Genomic context (GRCh38, chr11:2,884,810, plus strand): 5'-GAAATCCCCGAGTGCAGCTGGTCAGCGAGAGGCTCCTGGCCGCGCTGCCCCTGGTTCGCG[C>T]CCTGCTCGGCGCTCTCTTGAGGCGCCGCGTCCGGGGCCGGGGCCGGGGCGGGGGCCGGGG-3'
Protein context (NP_001116102.1, residues 206-226): DAAPQESAEQ[Gly216Asp]ANQGQRGQEP